The following is an entry in ClinVar:

ClinVar aggregate classification (germline): Conflicting classifications of pathogenicity. Review status: criteria provided, conflicting classifications (1 of 4 stars). 13 submissions from 13 submitters: Uncertain significance (8); Likely benign (3). 2 of the submissions do not count toward it. Last evaluated 2026-08-07.

Conditions:
BRCA2-related cancer predisposition. Identifiers: MedGen CN377758, MONDO:0700269.
BRCA2-related disorder. Also called: BRCA2-related condition; BRCA2-related disorders. Identifiers: MedGen CN239275.
Hereditary cancer-predisposing syndrome. Also called: Hereditary Cancer Syndrome; Neoplastic Syndromes, Hereditary; Hereditary neoplastic syndrome; Tumor predisposition. Identifiers: Orphanet 140162, MedGen C0027672, MeSH D009386, MONDO:0015356.
Hereditary breast ovarian cancer syndrome. Also called: Hereditary breast and ovarian cancer syndrome; Breast and ovarian cancer; BRCA1- and BRCA2-Associated Hereditary Breast and Ovarian Cancer; Hereditary breast and/or ovarian cancer syndrome; Hereditary breast and ovarian cancer; Hereditary breast and ovarian cancer syndrome (HBOC). Identifiers: Orphanet 145, MedGen C0677776, MeSH D061325, MONDO:0003582. Disease mechanism: loss of function.
Breast-ovarian cancer, familial, susceptibility to, 2 (BROVCA2). Also called: BRCA2 Hereditary Breast and Ovarian Cancer. Identifiers: Orphanet 145, MedGen C2675520, MONDO:0012933, OMIM 612555. Disease mechanism: loss of function.

Allele frequency attached by ClinVar (database versions not stated): TOPMed below 0.00001; gnomAD 0.00001.

Submissions (13):

PreventionGenetics, part of Exact Sciences
Classification: Uncertain significance for BRCA2-related condition. Last evaluated: 2026-08-07. Review status: criteria provided, single submitter. Criteria: ACMG Guidelines, 2015. Collection method: clinical testing. Allele origin: germline.
Comment: The BRCA2 c.5782G>A variant is predicted to result in the amino acid substitution p.Glu1928Lys. To our knowledge, this variant has not been reported in the literature. This variant occurs within a region of the BRCA2 gene that is predicted to be tolerant to missense variation (Table 2, Dines et al. 2020. PubMed ID: 31911673). This variant is reported in 0.0029% of alleles in individuals of Latino descent in gnomAD and has conflicting interpretations in ClinVar ranging from likely benign to uncertain (Variation ID: 51936). At this time, the clinical significance of this variant is uncertain due to the absence of conclusive functional and genetic evidence.

Labcorp Genetics (formerly Invitae), Labcorp
Classification: Uncertain significance for Hereditary breast ovarian cancer syndrome. Last evaluated: 2026-01-19. Review status: criteria provided, single submitter. Criteria: Invitae Variant Classification Sherloc (09022015). Collection method: clinical testing. Allele origin: germline.
Comment: This sequence change replaces glutamic acid, which is acidic and polar, with lysine, which is basic and polar, at codon 1928 of the BRCA2 protein (p.Glu1928Lys). This variant is present in population databases (rs56253082, gnomAD 0.003%). This variant has not been reported in the literature in individuals affected with BRCA2-related conditions. ClinVar contains an entry for this variant (Variation ID: 51936). Invitae Evidence Modeling of protein sequence and biophysical properties (such as structural, functional, and spatial information, amino acid conservation, physicochemical variation, residue mobility, and thermodynamic stability) indicates that this missense variant is not expected to disrupt BRCA2 protein function with a negative predictive value of 95%. In summary, the available evidence is currently insufficient to determine the role of this variant in disease. Therefore, it has been classified as a Variant of Uncertain Significance.

Women's Health and Genetics/Laboratory Corporation of America, LabCorp
Classification: Uncertain significance. Last evaluated: 2026-01-07. Review status: criteria provided, single submitter. Criteria: LabCorp Variant Classification Summary - May 2015. Collection method: clinical testing. Allele origin: germline.
Comment: Variant summary: BRCA2 c.5782G>A (p.Glu1928Lys) results in a conservative amino acid change in the encoded protein sequence. Algorithms developed to predict the effect of missense changes on protein structure and function all suggest that this variant is likely to be tolerated. The variant allele was found at a frequency of 4e-06 in 250586 control chromosomes. The available data on variant occurrences in the general population are insufficient to allow any conclusion about variant significance. To our knowledge, no occurrence of c.5782G>A in individuals affected with BRCA2-related conditions and no experimental evidence demonstrating its impact on protein function have been reported. Co-occurrences with other pathogenic variant(s) have been reported (BRCA1 c.68_69delAG, p.Glu23ValfsX17; BRCA1 c.5359_5363delinsAGTGA, p.Cys1787_Gly1788delinsSerAsp). ClinVar contains an entry for this variant (Variation ID: 51936). Based on the evidence outlined above, the variant was classified as uncertain significance.

ARUP Laboratories, Molecular Genetics and Genomics, ARUP Laboratories
Classification: Likely benign. Last evaluated: 2025-07-07. Review status: criteria provided, single submitter. Criteria: ARUP Molecular Germline Variant Investigation Process 2024. Collection method: clinical testing. Allele origin: germline.

Quest Diagnostics Nichols Institute San Juan Capistrano
Classification: Uncertain significance. Last evaluated: 2025-06-13. Review status: criteria provided, single submitter. Criteria: Quest Diagnostics criteria. Collection method: clinical testing. Allele origin: unknown.
Comment: The BRCA2 c.5782G>A (p.Glu1928Lys) variant has been reported in the published literature to be located in a region of the BRCA2 gene that is tolerant to missense sequence changes (PMID: 31911673 (2020)). To the best of our knowledge, this variant has not been reported in individuals with BRCA2-related disorders. The frequency of this variant in the general population (Genome Aggregation Database) is uninformative in the assessment of its pathogenicity. Analysis of this variant using bioinformatics tools for the prediction of the effect of amino acid changes on protein structure and function yielded predictions that this variant is benign. Based on the available information, we are unable to determine the clinical significance of this variant.

All of Us Research Program, National Institutes of Health
Classification: Uncertain significance for BRCA2-related cancer predisposition. Last evaluated: 2024-09-17. Review status: criteria provided, single submitter. Criteria: ACMG Guidelines, 2015. Collection method: clinical testing. Allele origin: germline. Inheritance: Autosomal dominant inheritance. Observed: 7 variant alleles, 7 heterozygotes.
Comment: This missense variant replaces glutamic acid with lysine at codon 1928 of the BRCA2 protein. Computational prediction suggests that this variant may not impact protein structure and function (internally defined REVEL score threshold <= 0.5, PMID: 27666373). To our knowledge, functional studies have not been reported for this variant. This variant has been detected in individuals affected with BRCA2-associated cancers and relevant family history (Color internal data). This variant has been identified in 1/250586 chromosomes in the general population by the Genome Aggregation Database (gnomAD). The available evidence is insufficient to determine the role of this variant in disease conclusively. Therefore, this variant is classified as a Variant of Uncertain Significance.

This study involves interpretation of variants in research participants for the purpose of population health screening. Participant phenotype was not available at the time of variant classification. Additional details can be found in publication PMID: 35346344, PMCID: PMC8962531

GeneDx
Classification: Uncertain significance. Last evaluated: 2024-08-05. Review status: criteria provided, single submitter. Criteria: GeneDx Variant Classification Process June 2021. Collection method: clinical testing. Allele origin: germline. Affected: yes.
Comment: Not observed at significant frequency in large population cohorts (gnomAD); In silico analysis indicates that this missense variant does not alter protein structure/function; Has not been previously published as pathogenic or benign to our knowledge; Also known as c.6010G>A; This variant is associated with the following publications: (PMID: 23704879, 25925381, 10923033, 31131967)

Color Diagnostics, LLC DBA Color Health
Classification: Uncertain significance for Hereditary cancer-predisposing syndrome. Last evaluated: 2024-05-15. Review status: criteria provided, single submitter. Criteria: ACMG Guidelines, 2015. Collection method: clinical testing. Allele origin: germline.
Comment: This missense variant replaces glutamic acid with lysine at codon 1928 of the BRCA2 protein. Computational prediction suggests that this variant may not impact protein structure and function. To our knowledge, functional studies have not been reported for this variant. This variant has been detected in individuals affected with BRCA2-associated cancers and relevant family history (Color internal data). This variant has been identified in 1/250586 chromosomes in the general population by the Genome Aggregation Database (gnomAD). The available evidence is insufficient to determine the role of this variant in disease conclusively. Therefore, this variant is classified as a Variant of Uncertain Significance.

Ambry Genetics
Classification: Likely benign for Hereditary cancer-predisposing syndrome. Last evaluated: 2024-01-10. Review status: criteria provided, single submitter. Criteria: Ambry Variant Classification Scheme 2023. Collection method: clinical testing. Allele origin: germline.

University of Washington Department of Laboratory Medicine, University of Washington
Classification: Likely benign for Hereditary cancer-predisposing syndrome. Last evaluated: 2023-03-23. Review status: criteria provided, single submitter. Criteria: Dines et al. (Genet Med. 2020). Collection method: curation. Allele origin: germline.
Comment: Missense variant in a coldspot region where missense variants are very unlikely to be pathogenic (PMID:31911673).

BRCA2 exon 11 coldspot. Reclassification based on statistical prior probability.

Genetic Services Laboratory, University of Chicago
Classification: Uncertain significance. Last evaluated: 2018-07-06. Review status: criteria provided, single submitter. Criteria: ACMG Guidelines, 2015. Collection method: clinical testing. Allele origin: germline. Affected: no.

Sharing Clinical Reports Project (SCRP)
Classification: Uncertain significance for Breast-ovarian cancer, familial 2. Last evaluated: 2012-07-02. Review status: no assertion criteria provided. Collection method: clinical testing. Allele origin: germline. Not counted in ClinVar's aggregate classification.

Breast Cancer Information Core (BIC) (BRCA2)
Classification: Uncertain significance for Breast-ovarian cancer, familial 2. Last evaluated: 2000-06-12. Review status: no assertion criteria provided. Collection method: clinical testing. Allele origin: germline. Affected: yes. Observed: 4 variant alleles. Not counted in ClinVar's aggregate classification.

Literature cited by the submitters: PubMed 23704879 (cited by Women's Health and Genetics/Laboratory Corporation of America, LabCorp and Quest Diagnostics Nichols Institute San Juan Capistrano); PubMed 26295337 (cited by Quest Diagnostics Nichols Institute San Juan Capistrano); PubMed 31911673 (cited by Quest Diagnostics Nichols Institute San Juan Capistrano).

NM_000059.4(BRCA2):c.5782G>A (p.Glu1928Lys)

Gene: BRCA2 (BRCA2 DNA repair associated; plus strand). Cytogenetic location: 13q13.1.
Variant type: single nucleotide variant.
Coding change: c.5782G>A on transcript NM_000059.4 (MANE Select); coding-DNA position 5782, G replaced by A.
Protein change: p.Glu1928Lys; replaces glutamic acid 1928 with lysine.
Molecular consequence: missense variant.
Genome position (GRCh38, 1-based): chr13:32,340,137, G>A. VCF-style: chr13-32340137-G-A. GRCh37 (hg19) VCF-style: chr13-32914274-G-A.
Other names: 6010G>A; short protein forms E1928K.
Identifiers: ClinVar variation 51936 (VCV000051936.43), dbSNP rs56253082, ClinGen allele CA023218.